The following is an entry in ClinVar:

NM_004484.4(GPC3):c.946A>G (p.Met316Val)

Gene: GPC3 (glypican 3; minus strand). Cytogenetic location: Xq26.2.
Variant type: single nucleotide variant.
Coding change: c.946A>G on transcript NM_004484.4 (MANE Select); coding-DNA position 946, A replaced by G.
Protein change: p.Met316Val; replaces methionine 316 with valine.
Molecular consequence: missense variant.
Genome position (GRCh38, 1-based): chrX:133,753,568, T>C on the plus strand (A>G on the coding strand, the complement: GPC3 is on the minus strand). VCF-style: chrX-133753568-T-C. GRCh37 (hg19) VCF-style: chrX-132887595-T-C.
Other names: c.946A>G, p.Met316Val (NM_001164617.2); c.898A>G, p.Met300Val (NM_001164618.2); c.784A>G, p.Met262Val (NM_001164619.2); short protein forms M300V, M262V, M316V.
Identifiers: ClinVar variation 916143 (VCV000916143.47), dbSNP rs764148728, ClinGen allele CA10520773.

ClinVar aggregate classification (germline): Uncertain significance. Review status: criteria provided, multiple submitters, no conflicts (2 of 4 stars). 2 submissions from 2 submitters: Uncertain significance (2). Last evaluated 2024-04-10.

Conditions:
Wilms tumor 1 (WT1). Also called: Wilms tumor, somatic. Identifiers: Orphanet 654, MedGen CN033288, MONDO:0008679, OMIM 194070.

Allele frequency attached by ClinVar (database versions not stated): gnomAD exomes 0.00001; TOPMed 0.00001; ExAC 0.00002; gnomAD 0.00002.
gnomAD v4.1: 9 of 1,206,911 alleles (0.00075%); highest among the groups gnomAD compares: Non-Finnish European, 0.001%; no homozygotes.

Submissions (2):

Labcorp Genetics (formerly Invitae), Labcorp
Classification: Uncertain significance for Wilms tumor 1. Last evaluated: 2024-04-10. Review status: criteria provided, single submitter. Criteria: Invitae Variant Classification Sherloc (09022015). Collection method: clinical testing. Allele origin: germline.
Comment: This sequence change replaces methionine, which is neutral and non-polar, with valine, which is neutral and non-polar, at codon 316 of the GPC3 protein (p.Met316Val). This variant is present in population databases (rs764148728, gnomAD 0.003%), including at least one homozygous and/or hemizygous individual. This variant has not been reported in the literature in individuals affected with GPC3-related conditions. ClinVar contains an entry for this variant (Variation ID: 916143). Advanced modeling of protein sequence and biophysical properties (such as structural, functional, and spatial information, amino acid conservation, physicochemical variation, residue mobility, and thermodynamic stability) performed at Invitae indicates that this missense variant is not expected to disrupt GPC3 protein function with a negative predictive value of 80%. In summary, the available evidence is currently insufficient to determine the role of this variant in disease. Therefore, it has been classified as a Variant of Uncertain Significance.

CeGaT Center for Human Genetics Tuebingen
Classification: Uncertain significance. Last evaluated: 2020-03-01. Review status: criteria provided, single submitter. Criteria: CeGaT Center For Human Genetics Tuebingen Variant Classification Criteria Version 2. Collection method: clinical testing. Allele origin: germline. Affected: yes. Observed: 2 variant alleles.